The following is an entry in ClinVar:

ClinVar aggregate classification (germline): Uncertain significance. Review status: criteria provided, single submitter (1 of 4 stars). 2 submissions from 2 submitters: Uncertain significance (1). 1 of the submissions does not count toward it. Last evaluated 2025-12-31.

Conditions:
Hypotonia, infantile, with psychomotor retardation and characteristic facies 3 (IHPRF3). Also called: TBCK-Related Neurodevelopmental Disorder. Identifiers: Orphanet 488632, MedGen C5567480, MONDO:0014823, OMIM 616900.

Submissions (2):

GeneDx
Classification: Uncertain significance. Last evaluated: 2025-12-31. Review status: criteria provided, single submitter. Criteria: GeneDx Variant Classification Process June 2021. Collection method: clinical testing. Allele origin: germline.
Comment: Not observed at significant frequency in large population cohorts (gnomAD); In-frame insertion of 2 amino acid(s) in a non-repeat region; Has not been previously published as pathogenic or benign to our knowledge

Breakthrough Genomics
Classification: Uncertain significance for Hypotonia, infantile, with psychomotor retardation and characteristic facies 3. Last evaluated: 2021-10-06. Review status: no assertion criteria provided. Collection method: clinical testing. Allele origin: germline. Affected: yes. Observed: 1 variant allele. Not counted in ClinVar's aggregate classification.

NM_001163435.3(TBCK):c.1727_1728insGAAGTT (p.Lys576_Tyr577insLysLeu)

Gene: TBCK (TBC1 domain containing kinase; minus strand). Cytogenetic location: 4q24.
Variant type: Insertion.
Coding change: c.1727_1728insGAAGTT on transcript NM_001163435.3 (MANE Select); coding-DNA positions 1727 to 1728, GAAGTT inserted.
Protein change: p.Lys576_Tyr577insLysLeu.
Genome position: GRCh38 VCF-style: chr4-106230409-T-TAACTTC. GRCh37 (hg19) VCF-style: chr4-107151566-T-TAACTTC.
Other names: p.Lys576_Tyr577insLysLeu; c.1727_1728insGAAGTT (NM_001163435.2); c.1727_1728insGAAGTT, p.Lys576_Tyr577insLysLeu (NM_001163436.4); c.1610_1611insGAAGTT, p.Lys537_Tyr538insLysLeu (NM_001163437.3); c.1211_1212insGAAGTT, p.Lys404_Tyr405insLysLeu (NM_001290768.2); c.1538_1539insGAAGTT, p.Lys513_Tyr514insLysLeu (NM_033115.5).
Identifiers: ClinVar variation 2692227 (VCV002692227.4), dbSNP rs2477752688, ClinGen allele CA2697546821.